The following is an entry in ClinVar:

ClinVar aggregate classification (germline): Uncertain significance. Review status: criteria provided, multiple submitters, no conflicts (2 of 4 stars). 3 submissions from 3 submitters: Uncertain significance (3). Last evaluated 2026-01-05.

Conditions:
Cardiovascular phenotype. Identifiers: MedGen CN230736.

Allele frequency attached by ClinVar (database versions not stated): TOPMed 0.00001; gnomAD 0.00006.
gnomAD v4.1: 22 of 1,613,798 alleles (0.0014%); highest among the groups gnomAD compares: Admixed American, 0.018%; no homozygotes.

Submissions (3):

Labcorp Genetics (formerly Invitae), Labcorp
Classification: Uncertain significance. Last evaluated: 2026-01-05. Review status: criteria provided, single submitter. Criteria: Invitae Variant Classification Sherloc (09022015). Collection method: clinical testing. Allele origin: germline.
Comment: This sequence change replaces tryptophan, which is neutral and slightly polar, with cysteine, which is neutral and slightly polar, at codon 584 of the ABCG8 protein (p.Trp584Cys). This variant is present in population databases (rs754182905, gnomAD 0.02%). This variant has not been reported in the literature in individuals affected with ABCG8-related conditions. ClinVar contains an entry for this variant (Variation ID: 594878). Invitae Evidence Modeling of protein sequence and biophysical properties (such as structural, functional, and spatial information, amino acid conservation, physicochemical variation, residue mobility, and thermodynamic stability) indicates that this missense variant is expected to disrupt ABCG8 protein function with a positive predictive value of 80%. In summary, the available evidence is currently insufficient to determine the role of this variant in disease. Therefore, it has been classified as a Variant of Uncertain Significance.

Ambry Genetics
Classification: Uncertain significance for Cardiovascular phenotype. Last evaluated: 2025-01-22. Review status: criteria provided, single submitter. Criteria: Ambry Variant Classification Scheme 2023. Collection method: clinical testing. Allele origin: germline.

Eurofins Ntd Llc (ga)
Classification: Uncertain significance. Last evaluated: 2017-11-07. Review status: criteria provided, single submitter. Criteria: EGL Classification Definitions 2015. Collection method: clinical testing. Allele origin: germline. Observed: 1 variant allele, 1 heterozygote.

NM_022437.3(ABCG8):c.1752G>C (p.Trp584Cys)

Gene: ABCG8 (ATP binding cassette subfamily G member 8; plus strand). Cytogenetic location: 2p21.
Variant type: single nucleotide variant.
Coding change: c.1752G>C on transcript NM_022437.3 (MANE Select); coding-DNA position 1752, G replaced by C.
Protein change: p.Trp584Cys; replaces tryptophan 584 with cysteine.
Molecular consequence: missense variant.
Genome position (GRCh38, 1-based): chr2:43,875,409, G>C. VCF-style: chr2-43875409-G-C. GRCh37 (hg19) VCF-style: chr2-44102548-G-C.
Other names: c.1749G>C, p.Trp583Cys (NM_001357321.2); short protein forms W584C, W583C.
Identifiers: ClinVar variation 594878 (VCV000594878.12), dbSNP rs754182905, ClinGen allele CA1637613.